The following is an entry in ClinVar:

ClinVar aggregate classification (germline): Uncertain significance (1 of 4 stars; one submission).

Conditions:
Epileptic encephalopathy. Identifiers: MedGen C0543888, HP:0200134.

Allele frequency attached by ClinVar (database versions not stated): gnomAD exomes below 0.00001.
gnomAD v4.1: 4 of 1,594,426 alleles (0.00025%); highest among the groups gnomAD compares: Non-Finnish European, 0.00034%; no homozygotes.

Submission:

Labcorp Genetics (formerly Invitae), Labcorp
Classification: Uncertain significance for Epileptic encephalopathy. Last evaluated: 2018-04-04. Review status: criteria provided, single submitter. Criteria: Invitae Variant Classification Sherloc (09022015). Collection method: clinical testing. Allele origin: germline.
Comment: In summary, the available evidence is currently insufficient to determine the role of this variant in disease. Therefore, it has been classified as a Variant of Uncertain Significance. Algorithms developed to predict the effect of missense changes on protein structure and function do not agree on the potential impact of this missense change (SIFT: "Deleterious"; PolyPhen-2: "Possibly Damaging"; Align-GVGD: "Class C0"). This variant has not been reported in the literature in individuals with FASN-related disease. This variant is not present in population databases (ExAC no frequency). This sequence change replaces alanine with serine at codon 1645 of the FASN protein (p.Ala1645Ser). The alanine residue is highly conserved and there is a moderate physicochemical difference between alanine and serine.

NM_004104.5(FASN):c.4933G>T (p.Ala1645Ser)

Gene: FASN (fatty acid synthase; minus strand). Cytogenetic location: 17q25.3.
Variant type: single nucleotide variant.
Coding change: c.4933G>T on transcript NM_004104.5 (MANE Select); coding-DNA position 4933, G replaced by T.
Protein change: p.Ala1645Ser; replaces alanine 1645 with serine.
Molecular consequence: missense variant.
Genome position (GRCh38, 1-based): chr17:82,084,140, C>A on the plus strand (G>T on the coding strand, the complement: FASN is on the minus strand). VCF-style: chr17-82084140-C-A. GRCh37 (hg19) VCF-style: chr17-80042016-C-A.
Other names: short protein forms A1645S.
Identifiers: ClinVar variation 575488 (VCV000575488.8), dbSNP rs1568108097, ClinGen allele CA401541618.
Genomic context (GRCh38, chr17:82,084,140, plus strand): 5'-CCCGCCCACGCACCACCAGCGCGTAGTAGGCCGTGCTGTAGACGACAGGCACCGAGGCCG[C>A]CTCCTCCAGCGTCCTGGGGATGCAGCAGGTGGGTCAGCACAGGCCTGGCCGCCATCCACG-3'
Protein context (NP_004095.4, residues 1635-1655): DVPSNWTLEE[Ala1645Ser]ASVPVVYSTA